The following is an entry in ClinVar:

ClinVar aggregate classification (germline): Benign/Likely benign. Review status: criteria provided, multiple submitters, no conflicts (2 of 4 stars). 9 submissions from 9 submitters: Benign (6); Likely benign (3). Last evaluated 2026-02-04.

Conditions:
Cleidocranial dysostosis (CLCD1). Also called: Marie-Sainton disease; Cleidocranial Dysplasia Spectrum Disorder; cleidocranial dysplasia 1. Identifiers: Orphanet 1452, MedGen C0008928, MONDO:0007340, OMIM 119600.

Submissions (9):

Labcorp Genetics (formerly Invitae), Labcorp
Classification: Benign. Last evaluated: 2026-02-04. Review status: criteria provided, single submitter. Criteria: Invitae Variant Classification Sherloc (09022015). Collection method: clinical testing. Allele origin: germline.

ARUP Laboratories, Molecular Genetics and Genomics, ARUP Laboratories
Classification: Benign. Last evaluated: 2025-07-22. Review status: criteria provided, single submitter. Criteria: ARUP Molecular Germline Variant Investigation Process 2024. Collection method: clinical testing. Allele origin: germline.

Laboratory of Genetics, Children's Clinical University Hospital Latvia
Classification: Likely benign. Last evaluated: 2025-02-16. Review status: criteria provided, single submitter. Criteria: ACMG Guidelines, 2015. Collection method: clinical testing. Allele origin: germline. Affected: yes.

Blueprint Genetics
Classification: Benign. Last evaluated: 2024-11-26. Review status: criteria provided, single submitter. Criteria: ACMG Guidelines, 2015. Collection method: clinical testing. Allele origin: germline.

Dubai Health Genomic Medicine Center, Dubai Health
Classification: Benign. Last evaluated: 2020-03-25. Review status: criteria provided, single submitter. Criteria: ACMG Guidelines, 2015. Collection method: clinical testing. Allele origin: germline. Affected: yes.

GeneDx
Classification: Benign. Last evaluated: 2019-11-29. Review status: criteria provided, single submitter. Criteria: GeneDx Variant Classification Process June 2021. Collection method: clinical testing. Allele origin: germline. Affected: yes.
Comment: In-frame deletion of 6 amino acids in a repetitive region with no known function; In silico analysis supports that this variant does not alter protein structure/function; This variant is associated with the following publications: (PMID: 29960047, 29089101, 9182765, 28027977)

Mendelics
Classification: Likely benign for Cleidocranial dysostosis. Last evaluated: 2019-05-28. Review status: criteria provided, single submitter. Criteria: Mendelics Assertion Criteria 2017. Collection method: clinical testing. Allele origin: unknown.

Eurofins Ntd Llc (ga)
Classification: Benign. Last evaluated: 2015-07-13. Review status: criteria provided, single submitter. Criteria: EGL Classification Definitions 2015. Collection method: clinical testing. Allele origin: germline.

PreventionGenetics, part of Exact Sciences
Classification: Likely benign. Review status: criteria provided, single submitter. Criteria: ACMG Guidelines, 2015. Collection method: clinical testing. Allele origin: germline.

NM_001024630.4(RUNX2):c.225GGCGGCTGCGGCGGCGGC[1] (p.Ala84_Ala89del)

Genes: RUNX2 (RUNX family transcription factor 2; plus strand), LOC109611589 (runt related transcription factor 2 polyalanine expansion region; plus strand). Cytogenetic location: 6p21.1.
Variant type: Microsatellite.
Coding change: c.225GGCGGCTGCGGCGGCGGC[1] on transcript NM_001024630.4 (MANE Select); one copy of the 18-base unit GGCGGCTGCGGCGGCGGC starting at c.225; the reference has two copies in a row; one copy, 18 bases deleted; also written c.243_260del.
Protein change: p.Ala84_Ala89del.
Molecular consequence: inframe deletion.
Genome position (GRCh38, 1-based): chr6:45,422,777-45,422,794, GGCGGCTGCGGCGGCGGC deleted; deleting any 18 consecutive bases within chr6:45,422,750-45,422,794 gives the same sequence; the position shown is the placement nearest the transcript's 3' end. VCF-style (leftmost placement, unchanged base first): chr6-45422749-AGGCGGCGGCGGCGGCTGC-A. GRCh37 (hg19) VCF-style: chr6-45390486-AGGCGGCGGCGGCGGCTGC-A.
Other names: c.225GGCGGCTGCGGCGGCGGC[1], p.Ala84_Ala89del (NM_001015051.4); c.183GGCGGCTGCGGCGGCGGC[1], p.Ala70_Ala75del (NM_001278478.2, NM_001369405.1); c.243_260del (NM_001024630.3).
Identifiers: ClinVar variation 257095 (VCV000257095.38), dbSNP rs11498192, ClinGen allele CA3836310.